The following is an entry in ClinVar:

NM_000188.3(HK1):c.2519C>T (p.Ala840Val)

Gene: HK1 (hexokinase 1; plus strand). Cytogenetic location: 10q22.1.
Variant type: single nucleotide variant.
Coding change: c.2519C>T on transcript NM_000188.3 (MANE Select); coding-DNA position 2519, C replaced by T.
Protein change: p.Ala840Val; replaces alanine 840 with valine.
Molecular consequence: missense variant.
Genome position (GRCh38, 1-based): chr10:69,398,738, C>T. VCF-style: chr10-69398738-C-T. GRCh37 (hg19) VCF-style: chr10-71158494-C-T.
Other names: c.2531C>T, p.Ala844Val (NM_001322364.2, NM_001358263.1, NM_033497.3 and 1 more transcripts); c.2624C>T, p.Ala875Val (NM_001322365.2); c.2435C>T, p.Ala812Val (NM_001322366.1); c.2423C>T, p.Ala808Val (NM_001322367.1); c.2516C>T, p.Ala839Val (NM_033496.3); c.2483C>T, p.Ala828Val (NM_033500.2); short protein forms A844V, A840V, A875V, A808V, A812V, A828V, A839V.
Identifiers: ClinVar variation 1032246 (VCV001032246.8), dbSNP rs373871387, ClinGen allele CA5532870.

ClinVar aggregate classification (germline): Uncertain significance. Review status: criteria provided, multiple submitters, no conflicts (2 of 4 stars). 4 submissions from 4 submitters: Uncertain significance (4). Last evaluated 2025-05-01.

Conditions:
Inborn genetic diseases. Identifiers: MedGen C0950123, MeSH D030342.
Hemolytic anemia due to hexokinase deficiency (CNSHA5). Also called: HEMOLYTIC ANEMIA, NONSPHEROCYTIC, DUE TO HEXOKINASE DEFICIENCY; Hexokinase deficiency hemolytic anemia; ANEMIA, CONGENITAL, NONSPHEROCYTIC HEMOLYTIC, 5; Non-spherocytic hemolytic anemia due to hexokinase deficiency. Identifiers: Orphanet 90031, MedGen C3150343, MONDO:0009340, OMIM 235700.

Allele frequency attached by ClinVar (database versions not stated): ExAC 0.00001; gnomAD 0.00001; gnomAD exomes 0.00001; TOPMed 0.00001; ESP Exome Variant Server 0.00008.
gnomAD v4.1: 20 of 1,614,050 alleles (0.0012%); highest among the groups gnomAD compares: Middle Eastern, 0.016%; no homozygotes.

Submissions (4):

Ambry Genetics
Classification: Uncertain significance for Inborn genetic diseases. Last evaluated: 2025-05-01. Review status: criteria provided, single submitter. Criteria: Ambry Variant Classification Scheme 2023. Collection method: clinical testing. Allele origin: germline.

Labcorp Genetics (formerly Invitae), Labcorp
Classification: Uncertain significance. Last evaluated: 2024-11-18. Review status: criteria provided, single submitter. Criteria: Invitae Variant Classification Sherloc (09022015). Collection method: clinical testing. Allele origin: germline.
Comment: This sequence change replaces alanine, which is neutral and non-polar, with valine, which is neutral and non-polar, at codon 840 of the HK1 protein (p.Ala840Val). This variant is present in population databases (rs373871387, gnomAD 0.004%). This variant has not been reported in the literature in individuals affected with HK1-related conditions. ClinVar contains an entry for this variant (Variation ID: 1032246). Invitae Evidence Modeling of protein sequence and biophysical properties (such as structural, functional, and spatial information, amino acid conservation, physicochemical variation, residue mobility, and thermodynamic stability) indicates that this missense variant is expected to disrupt HK1 protein function with a positive predictive value of 80%. In summary, the available evidence is currently insufficient to determine the role of this variant in disease. Therefore, it has been classified as a Variant of Uncertain Significance.

Revvity Omics, Revvity
Classification: Uncertain significance. Last evaluated: 2023-03-28. Review status: criteria provided, single submitter. Criteria: ACMG Guidelines, 2015. Collection method: clinical testing. Allele origin: germline.

Baylor Genetics
Classification: Uncertain significance for Hemolytic anemia due to hexokinase deficiency. Last evaluated: 2018-04-11. Review status: criteria provided, single submitter. Criteria: ACMG Guidelines, 2015. Collection method: clinical testing. Allele origin: maternal. Affected: yes.
Comment: This variant was determined to be of uncertain significance according to ACMG Guidelines, 2015 [PMID:25741868].